The following is an entry in ClinVar:

NM_001029883.3(PCARE):c.776_777del (p.Glu259fs)

Gene: PCARE (photoreceptor cilium actin regulator; minus strand). Cytogenetic location: 2p23.2.
Variant type: Microsatellite.
Coding change: c.776_777del on transcript NM_001029883.3 (MANE Select); coding-DNA positions 776 to 777, 2 bases deleted (AG; older notation c.776_777delAG).
Protein change: p.Glu259fs; shifts the reading frame from glutamic acid 259.
Molecular consequence: frameshift variant.
Genome position (GRCh38, 1-based): chr2:29,073,485-29,073,486, CT deleted on the plus strand (AG on the coding strand, the reverse complement: PCARE is on the minus strand); deleting any 2 consecutive bases within chr2:29,073,485-29,073,490 gives the same sequence; the c. name uses the placement nearest the transcript's 3' end. VCF-style (leftmost placement, unchanged base first): chr2-29073484-GCT-G. GRCh37 (hg19) VCF-style: chr2-29296350-GCT-G.
Other names: short protein forms E259fs.
Identifiers: ClinVar variation 812239 (VCV000812239.5), dbSNP rs1572829514, ClinGen allele CA915943716.

ClinVar aggregate classification (germline): Pathogenic. Review status: criteria provided, multiple submitters, no conflicts (2 of 4 stars). 3 submissions from 3 submitters: Pathogenic (2). 1 of the submissions does not count toward it. Last evaluated 2024-02-25.

Conditions:
Retinitis pigmentosa (RP). Identifiers: Orphanet 791, MedGen C0035334, MeSH D012174, MONDO:0019200, OMIM 268000. Inheritance: Autosomal dominant, autosomal recessive and X linked inheritance.

Submissions (3):

Labcorp Genetics (formerly Invitae), Labcorp
Classification: Pathogenic. Last evaluated: 2024-02-25. Review status: criteria provided, single submitter. Criteria: Invitae Variant Classification Sherloc (09022015). Collection method: clinical testing. Allele origin: germline.
Comment: This sequence change creates a premature translational stop signal (p.Glu259Alafs*51) in the PCARE gene. It is expected to result in an absent or disrupted protein product. Loss-of-function variants in PCARE are known to be pathogenic (PMID: 20398886, 24339724, 26496393). This variant is not present in population databases (gnomAD no frequency). This variant has not been reported in the literature in individuals affected with PCARE-related conditions. ClinVar contains an entry for this variant (Variation ID: 812239). For these reasons, this variant has been classified as Pathogenic.

Institute of Medical Genetics and Applied Genomics, University Hospital Tübingen
Classification: Pathogenic. Last evaluated: 2020-10-23. Review status: criteria provided, single submitter. Criteria: ACMG Guidelines, 2015. Collection method: clinical testing. Allele origin: germline. Inheritance: Autosomal recessive inheritance. Affected: yes.

Sharon lab, Hadassah-Hebrew University Medical Center
Classification: Pathogenic for Retinitis pigmentosa. Last evaluated: 2019-06-23. Review status: no assertion criteria provided. Collection method: research. Allele origin: inherited. Affected: yes. Not counted in ClinVar's aggregate classification.

Literature cited by the submitters: PubMed 20398886 (cited by Labcorp Genetics (formerly Invitae), Labcorp); PubMed 24339724 (cited by Labcorp Genetics (formerly Invitae), Labcorp); PubMed 26496393 (cited by Labcorp Genetics (formerly Invitae), Labcorp).